The following is an entry in ClinVar:

ClinVar aggregate classification (germline): Uncertain significance (1 of 4 stars; one submission).

Allele frequency attached by ClinVar (database versions not stated): gnomAD exomes 0.00002; ExAC 0.00004; gnomAD 0.00007; TOPMed 0.00007; ESP Exome Variant Server 0.00015.
gnomAD v4.1: 65 of 1,611,750 alleles (0.004%); highest among the groups gnomAD compares: African/African-American, 0.055%; 2 homozygotes.

Submission:

Labcorp Genetics (formerly Invitae), Labcorp
Classification: Uncertain significance. Last evaluated: 2022-08-20. Review status: criteria provided, single submitter. Criteria: Invitae Variant Classification Sherloc (09022015). Collection method: clinical testing. Allele origin: germline.
Comment: This sequence change falls in intron 3 of the NDUFS7 gene. It does not directly change the encoded amino acid sequence of the NDUFS7 protein. It affects a nucleotide within the consensus splice site. This variant is present in population databases (rs112045351, gnomAD 0.03%). This variant has not been reported in the literature in individuals affected with NDUFS7-related conditions. Variants that disrupt the consensus splice site are a relatively common cause of aberrant splicing (PMID: 17576681, 9536098). Algorithms developed to predict the effect of sequence changes on RNA splicing suggest that this variant is not likely to affect RNA splicing. In summary, the available evidence is currently insufficient to determine the role of this variant in disease. Therefore, it has been classified as a Variant of Uncertain Significance.

Literature cited by the submitters: PubMed 17576681; PubMed 9536098.

NM_024407.5(NDUFS7):c.122+6G>A

Gene: NDUFS7 (NADH:ubiquinone oxidoreductase core subunit S7; plus strand). Cytogenetic location: 19p13.3.
Variant type: single nucleotide variant.
Coding change: c.122+6G>A on transcript NM_024407.5 (MANE Select); 6 bases into the intron after coding-DNA position 122, G replaced by A.
Molecular consequence: intron variant.
Genome position (GRCh38, 1-based): chr19:1,388,599, G>A. VCF-style: chr19-1388599-G-A. GRCh37 (hg19) VCF-style: chr19-1388598-G-A.
Other names: c.122+6G>A (NM_001363602.2).
Identifiers: ClinVar variation 1902383 (VCV001902383.2), dbSNP rs112045351, ClinGen allele CA9043077.
Genomic context (GRCh38, chr19:1,388,599, plus strand): 5'-CGGCTGTGCAGGCACGAGGTGTCCATCAGAGCGTGGCCACCGATGGCCCAAGCAGGTGAA[G>A]CTGGCCTTCTGGGGGAGGTCGTACCCCCTCGCCCCACCCCCATCCCTTCCTTATTTTCTG-3'